The following is an entry in ClinVar:

NM_006904.7(PRKDC):c.2521T>G (p.Ser841Ala)

Gene: PRKDC (protein kinase, DNA-activated, catalytic subunit; minus strand). Cytogenetic location: 8q11.21.
Variant type: single nucleotide variant.
Coding change: c.2521T>G on transcript NM_006904.7 (MANE Select); coding-DNA position 2521, T replaced by G.
Protein change: p.Ser841Ala; replaces serine 841 with alanine.
Molecular consequence: missense variant.
Genome position (GRCh38, 1-based): chr8:47,918,282, A>C on the plus strand (T>G on the coding strand, the complement: PRKDC is on the minus strand). VCF-style: chr8-47918282-A-C. GRCh37 (hg19) VCF-style: chr8-48830842-A-C.
Other names: c.2521T>G, p.Ser841Ala (NM_001081640.2); short protein forms S841A.
Identifiers: ClinVar variation 1345777 (VCV001345777.7), dbSNP rs566630146, ClinGen allele CA4741442.
Genomic context (GRCh38, chr8:47,918,282, plus strand): 5'-TTAGAATCTGATCTCTGCATTATGTAAGGTACAGAAAATACAAAGGACTTCTTACTGATG[A>C]AAGGTTCTTTGTCTTCTTCAGATGCTTTAACACCACTTTATTAAATCCTTTCTGGGCAGC-3'
Protein context (NP_008835.5, residues 831-851): LKHLKKTKNL[Ser841Ala]SNEAISLEEI

ClinVar aggregate classification (germline): Uncertain significance. Review status: criteria provided, multiple submitters, no conflicts (2 of 4 stars). 2 submissions from 2 submitters: Uncertain significance (2). Last evaluated 2024-12-09.

Conditions:
Severe combined immunodeficiency due to DNA-PKcs deficiency. Also called: IMMUNODEFICIENCY 26 WITH NEUROLOGIC ABNORMALITIES; Immunodeficiency 26 with or without neurologic abnormalities. Identifiers: Orphanet 317425, MedGen C4014833, MONDO:0014423, OMIM 615966.

Allele frequency attached by ClinVar (database versions not stated): gnomAD 0.00001; ExAC 0.00003.
gnomAD v4.1: 12 of 1,574,338 alleles (0.00076%); highest among the groups gnomAD compares: African/African-American, 0.0081%; no homozygotes.

Submissions (2):

Labcorp Genetics (formerly Invitae), Labcorp
Classification: Uncertain significance for Severe combined immunodeficiency due to DNA-PKcs deficiency. Last evaluated: 2024-12-09. Review status: criteria provided, single submitter. Criteria: Invitae Variant Classification Sherloc (09022015). Collection method: clinical testing. Allele origin: germline.
Comment: This sequence change replaces serine, which is neutral and polar, with alanine, which is neutral and non-polar, at codon 841 of the PRKDC protein (p.Ser841Ala). This variant is not present in population databases (gnomAD no frequency). This variant has not been reported in the literature in individuals affected with PRKDC-related conditions. ClinVar contains an entry for this variant (Variation ID: 1345777). Invitae Evidence Modeling of protein sequence and biophysical properties (such as structural, functional, and spatial information, amino acid conservation, physicochemical variation, residue mobility, and thermodynamic stability) indicates that this missense variant is not expected to disrupt PRKDC protein function with a negative predictive value of 80%. In summary, the available evidence is currently insufficient to determine the role of this variant in disease. Therefore, it has been classified as a Variant of Uncertain Significance.

Ambry Genetics
Classification: Uncertain significance. Last evaluated: 2022-11-18. Review status: criteria provided, single submitter. Criteria: Ambry Variant Classification Scheme 2023. Collection method: clinical testing. Allele origin: germline.